The following is an entry in ClinVar:

NM_000260.4(MYO7A):c.6237+10G>A

Gene: MYO7A (myosin VIIA; plus strand). Cytogenetic location: 11q13.5.
Variant type: single nucleotide variant.
Coding change: c.6237+10G>A on transcript NM_000260.4 (MANE Select); 10 bases into the intron after coding-DNA position 6237, G replaced by A.
Molecular consequence: intron variant.
Genome position (GRCh38, 1-based): chr11:77,211,347, G>A. VCF-style: chr11-77211347-G-A. GRCh37 (hg19) VCF-style: chr11-76922392-G-A.
Other names: c.6090+10G>A (NM_001369365.1); c.6123+10G>A (NM_001127180.2).
Identifiers: ClinVar variation 2827493 (VCV002827493.4), dbSNP rs1436496129, ClinGen allele CA680427610.

ClinVar aggregate classification (germline): Conflicting classifications of pathogenicity. Review status: criteria provided, conflicting classifications (1 of 4 stars). 2 submissions from 2 submitters: Uncertain significance (1); Likely benign (1). Last evaluated 2023-07-07.

Allele frequency attached by ClinVar (database versions not stated): gnomAD exomes below 0.00001; gnomAD 0.00001.
gnomAD v4.1: 4 of 1,570,338 alleles (0.00025%); highest among the groups gnomAD compares: African/African-American, 0.0041%; no homozygotes.

Submissions (2):

Labcorp Genetics (formerly Invitae), Labcorp
Classification: Uncertain significance. Last evaluated: 2023-07-07. Review status: criteria provided, single submitter. Criteria: Invitae Variant Classification Sherloc (09022015). Collection method: clinical testing. Allele origin: germline.
Comment: In summary, the available evidence is currently insufficient to determine the role of this variant in disease. Therefore, it has been classified as a Variant of Uncertain Significance. Algorithms developed to predict the effect of sequence changes on RNA splicing suggest that this variant may create or strengthen a splice site. This variant has not been reported in the literature in individuals affected with MYO7A-related conditions. This variant is not present in population databases (gnomAD no frequency). This sequence change falls in intron 45 of the MYO7A gene. It does not directly change the encoded amino acid sequence of the MYO7A protein.

Blueprint Genetics
Classification: Likely benign. Last evaluated: 2018-05-09. Review status: criteria provided, single submitter. Criteria: ACMG Guidelines, 2015. Collection method: clinical testing. Allele origin: germline.